The following is an entry in ClinVar:

NM_005876.5(SPEG):c.8187del (p.Asp2730fs)

Genes: ASIC4-AS1 (ASIC4 antisense RNA 1; minus strand), SPEG (striated muscle enriched protein kinase; plus strand). Cytogenetic location: 2q35.
Variant type: Deletion.
Coding change: c.8187del on transcript NM_005876.5 (MANE Select); coding-DNA position 8187, one base deleted (C; older notation c.8187delC).
Protein change: p.Asp2730fs; shifts the reading frame from aspartic acid 2730.
Molecular consequence: frameshift variant.
Genome position (GRCh38, 1-based): chr2:219,489,091, C deleted; the last of 4 consecutive C bases (chr2:219,489,088-219,489,091); deleting any one gives the same sequence. VCF-style (leftmost placement, unchanged base first): chr2-219489087-TC-T. GRCh37 (hg19) VCF-style: chr2-220353809-TC-T.
Other names: short protein forms D2730fs.
Identifiers: ClinVar variation 2746017 (VCV002746017.3), dbSNP rs2546004155, ClinGen allele CA2697550469.

ClinVar aggregate classification (germline): Pathogenic (1 of 4 stars; one submission).

Submission:

Labcorp Genetics (formerly Invitae), Labcorp
Classification: Pathogenic. Last evaluated: 2023-07-24. Review status: criteria provided, single submitter. Criteria: Invitae Variant Classification Sherloc (09022015). Collection method: clinical testing. Allele origin: germline.
Comment: This variant has not been reported in the literature in individuals affected with SPEG-related conditions. This variant is not present in population databases (gnomAD no frequency). This sequence change creates a premature translational stop signal (p.Asp2730Thrfs*6) in the SPEG gene. It is expected to result in an absent or disrupted protein product. Loss-of-function variants in SPEG are known to be pathogenic (PMID: 19118250, 25087613). For these reasons, this variant has been classified as Pathogenic.

Literature cited by the submitters: PubMed 19118250; PubMed 25087613.